The following is an entry in ClinVar:

NM_005732.4(RAD50):c.3665G>A (p.Cys1222Tyr)

Genes: TH2LCRR (T helper type 2 locus control region associated RNA; minus strand), RAD50 (RAD50 double strand break repair protein; plus strand), TH2-LCR (Th2 cytokine locus control region; plus strand). Cytogenetic location: 5q31.1.
Variant type: single nucleotide variant.
Coding change: c.3665G>A on transcript NM_005732.4 (MANE Select); coding-DNA position 3665, G replaced by A.
Protein change: p.Cys1222Tyr; replaces cysteine 1222 with tyrosine.
Molecular consequence: missense variant.
Genome position (GRCh38, 1-based): chr5:132,640,718, G>A. VCF-style: chr5-132640718-G-A. GRCh37 (hg19) VCF-style: chr5-131976410-G-A.
Other names: short protein forms C1222Y.
Identifiers: ClinVar variation 3224981 (VCV003224981.1), dbSNP rs2149865636, ClinGen allele CA360934016.

ClinVar aggregate classification (germline): Uncertain significance (1 of 4 stars; one submission).

Conditions:
Hereditary cancer-predisposing syndrome. Also called: Neoplastic Syndromes, Hereditary; Tumor predisposition; Hereditary neoplastic syndrome; Hereditary Cancer Syndrome. Identifiers: Orphanet 140162, MedGen C0027672, MeSH D009386, MONDO:0015356.

Submission:

Ambry Genetics
Classification: Uncertain significance for Hereditary cancer-predisposing syndrome. Last evaluated: 2024-03-06. Review status: criteria provided, single submitter. Criteria: Ambry Variant Classification Scheme 2023. Collection method: clinical testing. Allele origin: germline.
Comment: The p.C1222Y variant (also known as c.3665G>A), located in coding exon 24 of the RAD50 gene, results from a G to A substitution at nucleotide position 3665. The cysteine at codon 1222 is replaced by tyrosine, an amino acid with highly dissimilar properties. This amino acid position is conserved. In addition, this alteration is predicted to be deleterious by in silico analysis. Based on the available evidence, the clinical significance of this alteration remains unclear.